The following is an entry in ClinVar:

NM_006206.6(PDGFRA):c.2936G>T (p.Arg979Leu)

Gene: PDGFRA (platelet derived growth factor receptor alpha; plus strand). Cytogenetic location: 4q12.
Variant type: single nucleotide variant.
Coding change: c.2936G>T on transcript NM_006206.6 (MANE Select); coding-DNA position 2936, G replaced by T.
Protein change: p.Arg979Leu; replaces arginine 979 with leucine.
Molecular consequence: missense variant.
Genome position (GRCh38, 1-based): chr4:54,290,368, G>T. VCF-style: chr4-54290368-G-T. GRCh37 (hg19) VCF-style: chr4-55156535-G-T.
Other names: c.3011G>T, p.Arg1004Leu (NM_001347828.2); c.2936G>T, p.Arg979Leu (NM_001347829.2); c.2975G>T, p.Arg992Leu (NM_001347830.2); short protein forms R1004L, R979L, R992L.
Identifiers: ClinVar variation 959398 (VCV000959398.11), dbSNP rs587778598, ClinGen allele CA356896027.

ClinVar aggregate classification (germline): Uncertain significance. Review status: criteria provided, multiple submitters, no conflicts (2 of 4 stars). 3 submissions from 3 submitters: Uncertain significance (3). Last evaluated 2025-11-03.

Conditions:
Hereditary cancer-predisposing syndrome. Also called: Neoplastic Syndromes, Hereditary; Tumor predisposition; Hereditary neoplastic syndrome; Hereditary Cancer Syndrome. Identifiers: Orphanet 140162, MedGen C0027672, MeSH D009386, MONDO:0015356.
Gastrointestinal stromal tumor. Also called: Gastrointestinal stroma tumor; Gastrointestinal stromal tumor, somatic. Identifiers: Orphanet 44890, MedGen C0238198, MeSH D046152, MONDO:0011719, OMIM 606764, HP:0100723.

gnomAD v4.1: 1 of 1,612,048 alleles (0.000062%); highest among the groups gnomAD compares: Non-Finnish European, 0.000085%; no homozygotes.

Submissions (3):

Ambry Genetics
Classification: Uncertain significance for Hereditary cancer-predisposing syndrome. Last evaluated: 2025-11-03. Review status: criteria provided, single submitter. Criteria: Ambry Variant Classification Scheme 2023. Collection method: clinical testing. Allele origin: germline.
Comment: The p.R979L variant (also known as c.2936G>T), located in coding exon 21 of the PDGFRA gene, results from a G to T substitution at nucleotide position 2936. The arginine at codon 979 is replaced by leucine, an amino acid with dissimilar properties. This amino acid position is conserved. In addition, this alteration is predicted to be deleterious by in silico analysis. Based on the available evidence, the clinical significance of this variant remains unclear.

Labcorp Genetics (formerly Invitae), Labcorp
Classification: Uncertain significance for Gastrointestinal stromal tumor. Last evaluated: 2025-05-09. Review status: criteria provided, single submitter. Criteria: Invitae Variant Classification Sherloc (09022015). Collection method: clinical testing. Allele origin: germline.
Comment: This sequence change replaces arginine, which is basic and polar, with leucine, which is neutral and non-polar, at codon 979 of the PDGFRA protein (p.Arg979Leu). This variant is not present in population databases (gnomAD no frequency). This variant has not been reported in the literature in individuals affected with PDGFRA-related conditions. ClinVar contains an entry for this variant (Variation ID: 959398). Invitae Evidence Modeling of protein sequence and biophysical properties (such as structural, functional, and spatial information, amino acid conservation, physicochemical variation, residue mobility, and thermodynamic stability) has been performed for this missense variant. However, the output from this modeling did not meet the statistical confidence thresholds required to predict the impact of this variant on PDGFRA protein function. In summary, the available evidence is currently insufficient to determine the role of this variant in disease. Therefore, it has been classified as a Variant of Uncertain Significance.

Blueprint Genetics
Classification: Uncertain significance. Last evaluated: 2024-03-01. Review status: criteria provided, single submitter. Criteria: ACMG Guidelines, 2015. Collection method: clinical testing. Allele origin: germline.